The following is an entry in ClinVar:

NM_001367624.2(ZNF469):c.1256G>C (p.Ser419Thr)

Gene: ZNF469 (zinc finger protein 469; plus strand). Cytogenetic location: 16q24.2.
Variant type: single nucleotide variant.
Coding change: c.1256G>C on transcript NM_001367624.2 (MANE Select); coding-DNA position 1256, G replaced by C.
Protein change: p.Ser419Thr; replaces serine 419 with threonine.
Molecular consequence: missense variant.
Genome position (GRCh38, 1-based): chr16:88,428,726, G>C. VCF-style: chr16-88428726-G-C. GRCh37 (hg19) VCF-style: chr16-88495134-G-C.
Other names: NM_001127464.1:c.1256G>C; short protein forms S419T.
Identifiers: ClinVar variation 1761948 (VCV001761948.2), dbSNP rs1905888825, ClinGen allele CA397064059.
Genomic context (GRCh38, chr16:88,428,726, plus strand): 5'-GCTCCCTACCCCAGAGGCACTTTCCAGGGCAGGCGTACAGAGCCAGTGGGGTGGACACCA[G>C]CCCGGGGCCTCCGGACACCGAGCTGGCCGCCCCAGGGCCCCCACCCGCCAGGCTGCCCCA-3'
Protein context (NP_001354553.1, residues 409-429): QAYRASGVDT[Ser419Thr]PGPPDTELAA

ClinVar aggregate classification (germline): Uncertain significance (1 of 4 stars; one submission).

Conditions:
Cardiovascular phenotype. Identifiers: MedGen CN230736.

Allele frequency attached by ClinVar (database versions not stated): gnomAD exomes below 0.00001.
gnomAD v4.1: 1 of 1,547,780 alleles (0.000065%); highest among the groups gnomAD compares: Non-Finnish European, 0.000087%; no homozygotes.

Submission:

Ambry Genetics
Classification: Uncertain significance for Cardiovascular phenotype. Last evaluated: 2022-10-17. Review status: criteria provided, single submitter. Criteria: Ambry Variant Classification Scheme 2023. Collection method: clinical testing. Allele origin: germline.
Comment: The p.S419T variant (also known as c.1256G>C), located in coding exon 1 of the ZNF469 gene, results from a G to C substitution at nucleotide position 1256. The serine at codon 419 is replaced by threonine, an amino acid with similar properties. This amino acid position is conserved. In addition, this alteration is predicted to be tolerated by in silico analysis. Since supporting evidence is limited at this time, the clinical significance of this alteration remains unclear.